The following is an entry in ClinVar:

ClinVar aggregate classification (germline): Uncertain significance. Review status: criteria provided, multiple submitters, no conflicts (2 of 4 stars). 2 submissions from 2 submitters: Uncertain significance (2). Last evaluated 2024-08-06.

Conditions:
Cardiovascular phenotype. Identifiers: MedGen CN230736.

Submissions (2):

Ambry Genetics
Classification: Uncertain significance for Cardiovascular phenotype. Last evaluated: 2024-08-06. Review status: criteria provided, single submitter. Criteria: Ambry Variant Classification Scheme 2023. Collection method: clinical testing. Allele origin: germline.
Comment: The p.W1007S variant (also known as c.3020G>C), located in coding exon 29 of the MYBPC3 gene, results from a G to C substitution at nucleotide position 3020. The tryptophan at codon 1007 is replaced by serine, an amino acid with highly dissimilar properties. This amino acid position is highly conserved in available vertebrate species. In addition, this alteration is predicted to be deleterious by in silico analysis. Based on the available evidence, the clinical significance of this variant remains unclear.

Blueprint Genetics
Classification: Uncertain significance. Last evaluated: 2024-03-11. Review status: criteria provided, single submitter. Criteria: ACMG Guidelines, 2015. Collection method: clinical testing. Allele origin: germline.

NM_000256.3(MYBPC3):c.3020G>C (p.Trp1007Ser)

Gene: MYBPC3 (myosin binding protein C3; minus strand). Cytogenetic location: 11p11.2.
Variant type: single nucleotide variant.
Coding change: c.3020G>C on transcript NM_000256.3 (MANE Select); coding-DNA position 3020, G replaced by C.
Protein change: p.Trp1007Ser; replaces tryptophan 1007 with serine.
Molecular consequence: missense variant.
Genome position (GRCh38, 1-based): chr11:47,333,727, C>G on the plus strand (G>C on the coding strand, the complement: MYBPC3 is on the minus strand). VCF-style: chr11-47333727-C-G. GRCh37 (hg19) VCF-style: chr11-47355278-C-G.
Other names: short protein forms W1007S.
Identifiers: ClinVar variation 3400411 (VCV003400411.2).
Genomic context (GRCh38, chr11:47,333,727, plus strand): 5'-TCTGTGGGGCTGTTGCGGATGCTCACCTCCTCGCCTGCCAGGGGCTGCCCCTCTTTGGTC[C>G]AGGTCACCTGAGGCCGGGGCTTGCCCTGAGGGGAGGAAAAGCTTAACCCTGAACCTGGAT-3'
Protein context (NP_000247.2, residues 997-1017): FQGKPRPQVT[Trp1007Ser]TKEGQPLAGE